The following is an entry in ClinVar:

ClinVar aggregate classification (germline): Uncertain significance. Review status: criteria provided, multiple submitters, no conflicts (2 of 4 stars). 2 submissions from 2 submitters: Uncertain significance (2). Last evaluated 2024-05-12.

Conditions:
Fanconi anemia complementation group D2. Also called: FANCD2-Related Fanconi Anemia; FANCONI PANCYTOPENIA, TYPE 4; FANCONI ANEMIA, COMPLEMENTATION GROUP D. Identifiers: Orphanet 84, MedGen C3160738, MONDO:0009214, OMIM 227646.
Fanconi anemia (FA). Also called: Fanconi's anemia. Identifiers: Orphanet 84, MedGen C0015625, MeSH D005199, MONDO:0019391.

gnomAD v4.1: 3 of 1,614,192 alleles (0.00019%); highest among the groups gnomAD compares: Non-Finnish European, 0.00017%; no homozygotes.

Submissions (2):

Fulgent Genetics
Classification: Uncertain significance for Fanconi anemia complementation group D2. Last evaluated: 2024-05-12. Review status: criteria provided, single submitter. Criteria: ACMG Guidelines, 2015. Collection method: clinical testing. Allele origin: germline.

Labcorp Genetics (formerly Invitae), Labcorp
Classification: Uncertain significance for Fanconi anemia. Last evaluated: 2024-04-12. Review status: criteria provided, single submitter. Criteria: Invitae Variant Classification Sherloc (09022015). Collection method: clinical testing. Allele origin: germline.
Comment: This sequence change replaces glycine, which is neutral and non-polar, with valine, which is neutral and non-polar, at codon 1440 of the FANCD2 protein (p.Gly1440Val). This variant is not present in population databases (gnomAD no frequency). This variant has not been reported in the literature in individuals affected with FANCD2-related conditions. An algorithm developed to predict the effect of missense changes on protein structure and function (PolyPhen-2) suggests that this variant is likely to be tolerated. In summary, the available evidence is currently insufficient to determine the role of this variant in disease. Therefore, it has been classified as a Variant of Uncertain Significance.

NM_001018115.3(FANCD2):c.4281+38G>T

Genes: FANCD2 (FA complementation group D2; plus strand), FANCD2OS (FANCD2 opposite strand; minus strand). Cytogenetic location: 3p25.3.
Variant type: single nucleotide variant.
Coding change: c.4281+38G>T on transcript NM_001018115.3 (MANE Select); 38 bases into the intron after coding-DNA position 4281, G replaced by T.
Molecular consequence: intron variant. On other transcripts: missense variant (2).
Genome position (GRCh38, 1-based): chr3:10,098,853, G>T. VCF-style: chr3-10098853-G-T. GRCh37 (hg19) VCF-style: chr3-10140537-G-T.
Other names: c.4280G>T, p.Gly1427Val (NM_001374254.1); c.4319G>T, p.Gly1440Val (NM_033084.6); c.4281+38G>T (NM_001319984.2); c.4170+38G>T (NM_001374253.1); c.*43+5345C>A (NM_173472.2); short protein forms G1440V, G1427V.
Identifiers: ClinVar variation 3588240 (VCV003588240.3).
Genomic context (GRCh38, chr3:10,098,853, plus strand): 5'-CCTCCAAGAGCAAAGCCACTGAGGTATCTCTACAAAACCCACCAGAGTCTGGCACTGATG[G>T]TTGCATTTTGTTAATTGTTCTAAGTTGGTGGAGCAGAACTTTGCCTACTTATGTTTATTG-3'